The following is an entry in ClinVar:

ClinVar aggregate classification (germline): Uncertain significance. Review status: criteria provided, multiple submitters, no conflicts (2 of 4 stars). 2 submissions from 2 submitters: Uncertain significance (2). Last evaluated 2025-08-26.

Conditions:
Hypertrophic cardiomyopathy. Also called: HYPERTROPHIC MYOCARDIOPATHY. Identifiers: Orphanet 217569, MedGen C0007194, MeSH D002312, MONDO:0005045, HP:0001639.
Cardiomyopathy (CMYO). Also called: Cardiomyopathies. Identifiers: Orphanet 167848, MedGen C0878544, MONDO:0004994, HP:0001638. Inheritance: Various modes of inheritance.

Submissions (2):

Color Diagnostics, LLC DBA Color Health
Classification: Uncertain significance for Cardiomyopathy. Last evaluated: 2025-08-26. Review status: criteria provided, single submitter. Criteria: ACMG Guidelines, 2015. Collection method: clinical testing. Allele origin: germline.
Comment: This missense variant replaces serine with phenylalanine at codon 882 of the MYBPC3 protein. Computational prediction suggests that this variant may not impact protein structure and function. To our knowledge, functional studies have not been reported for this variant. This variant has not been reported in individuals affected with MYBPC3-related disorders in the literature. This variant has not been identified in the general population by the Genome Aggregation Database (gnomAD). The available evidence is insufficient to determine the role of this variant in disease conclusively. Therefore, this variant is classified as a Variant of Uncertain Significance.

All of Us Research Program, National Institutes of Health
Classification: Uncertain significance for Hypertrophic cardiomyopathy. Last evaluated: 2023-12-13. Review status: criteria provided, single submitter. Criteria: ACMG Guidelines, 2015. Collection method: clinical testing. Allele origin: germline. Inheritance: Autosomal dominant inheritance. Observed: 2 variant alleles, 2 heterozygotes.
Comment: This missense variant replaces serine with phenylalanine at codon 882 of the MYBPC3 protein. Computational prediction suggests that this variant may not impact protein structure and function (internally defined REVEL score threshold <= 0.5, PMID: 27666373). To our knowledge, functional studies have not been reported for this variant. This variant has not been reported in individuals affected with MYBPC3-related disorders in the literature. This variant has not been identified in the general population by the Genome Aggregation Database (gnomAD). The available evidence is insufficient to determine the role of this variant in disease conclusively. Therefore, this variant is classified as a Variant of Uncertain Significance.

This study involves interpretation of variants in research participants for the purpose of population health screening. Participant phenotype was not available at the time of variant classification. Additional details can be found in publication PMID: 35346344, PMCID: PMC8962531

NM_000256.3(MYBPC3):c.2645C>T (p.Ser882Phe)

Gene: MYBPC3 (myosin binding protein C3; minus strand). Cytogenetic location: 11p11.2.
Variant type: single nucleotide variant.
Coding change: c.2645C>T on transcript NM_000256.3 (MANE Select); coding-DNA position 2645, C replaced by T.
Protein change: p.Ser882Phe; replaces serine 882 with phenylalanine.
Molecular consequence: missense variant.
Genome position (GRCh38, 1-based): chr11:47,335,969, G>A on the plus strand (C>T on the coding strand, the complement: MYBPC3 is on the minus strand). VCF-style: chr11-47335969-G-A. GRCh37 (hg19) VCF-style: chr11-47357520-G-A.
Other names: short protein forms S882F.
Identifiers: ClinVar variation 3072148 (VCV003072148.2), dbSNP rs2495746509, ClinGen allele CA380317384.